The following is an entry in ClinVar:

NM_007194.4(CHEK2):c.324T>G (p.Cys108Trp)

Gene: CHEK2 (checkpoint kinase 2; minus strand). Cytogenetic location: 22q12.1.
Variant type: single nucleotide variant.
Coding change: c.324T>G on transcript NM_007194.4 (MANE Select); coding-DNA position 324, T replaced by G.
Protein change: p.Cys108Trp; replaces cysteine 108 with tryptophan.
Molecular consequence: missense variant.
Genome position (GRCh38, 1-based): chr22:28,725,363, A>C on the plus strand (T>G on the coding strand, the complement: CHEK2 is on the minus strand). VCF-style: chr22-28725363-A-C. GRCh37 (hg19) VCF-style: chr22-29121351-A-C.
Other names: c.-454T>G (NM_001257387.3); c.324T>G, p.Cys108Trp (NM_001349956.3, NM_145862.3); c.453T>G, p.Cys151Trp (NM_001005735.3); short protein forms C108W, C151W.
Identifiers: ClinVar variation 1729414 (VCV001729414.2), dbSNP rs1385799739, ClinGen allele CA411108285.

ClinVar aggregate classification (germline): Uncertain significance (1 of 4 stars; one submission).

Conditions:
Hereditary cancer-predisposing syndrome. Also called: Neoplastic Syndromes, Hereditary; Tumor predisposition; Hereditary Cancer Syndrome; Hereditary neoplastic syndrome. Identifiers: Orphanet 140162, MedGen C0027672, MeSH D009386, MONDO:0015356.

Submission:

Ambry Genetics
Classification: Uncertain significance for Hereditary cancer-predisposing syndrome. Last evaluated: 2022-01-12. Review status: criteria provided, single submitter. Criteria: Ambry Variant Classification Scheme 2023. Collection method: clinical testing. Allele origin: germline.
Comment: The p.C108W variant (also known as c.324T>G), located in coding exon 2 of the CHEK2 gene, results from a T to G substitution at nucleotide position 324. The cysteine at codon 108 is replaced by tryptophan, an amino acid with highly dissimilar properties. This amino acid position is conserved. In addition, this alteration is predicted to be deleterious by in silico analysis. Since supporting evidence is limited at this time, the clinical significance of this alteration remains unclear.